The following is an entry in ClinVar:

ClinVar aggregate classification (germline): Benign. Review status: criteria provided, multiple submitters, no conflicts (2 of 4 stars). 2 submissions from 2 submitters: Benign (2). Last evaluated 2018-01-12.

Conditions:
Combined immunodeficiency due to DOCK8 deficiency (HIES2). Also called: HIES autosomal recessive; Hyper-IgE recurrent infection syndrome, autosomal recessive; HYPER-IgE RECURRENT INFECTION SYNDROME 2, AUTOSOMAL RECESSIVE; HYPER-IgE SYNDROME 2, AUTOSOMAL RECESSIVE, WITH RECURRENT INFECTIONS; DOCK8 Deficiency. Identifiers: Orphanet 217390, MedGen C4722305, MONDO:0009478, OMIM 243700.

Allele frequency attached by ClinVar (database versions not stated): gnomAD 0.00870 and 0.00922; TOPMed 0.01009; 1000 Genomes Project 0.01158; 1000 Genomes Project 30x 0.01218.

Submissions (2):

Illumina Laboratory Services, Illumina
Classification: Benign for Combined immunodeficiency due to DOCK8 deficiency. Last evaluated: 2018-01-12. Review status: criteria provided, single submitter. Criteria: ICSL Variant Classification Criteria 13 December 2019. Collection method: clinical testing. Allele origin: germline.
Comment: This variant was observed in the ICSL laboratory as part of a predisposition screen in an ostensibly healthy population. It had not been previously curated by ICSL or reported in the Human Gene Mutation Database (HGMD: prior to June 1st, 2018), and was therefore a candidate for classification through an automated scoring system. Utilizing variant allele frequency, disease prevalence and penetrance estimates, and inheritance mode, an automated score was calculated to assess if this variant is too frequent to cause the disease. Based on the score and internal cut-off values, a variant classified as benign is not then subjected to further curation. The score for this variant resulted in a classification of benign for this disease.

Breakthrough Genomics
Classification: Benign. Review status: criteria provided, single submitter. Criteria: ACMG Guidelines, 2015. Collection method: not provided. Allele origin: germline. Inheritance: Autosomal recessive inheritance. Affected: yes.

NM_203447.4(DOCK8):c.*757T>G

Gene: DOCK8 (dedicator of cytokinesis 8; plus strand). Cytogenetic location: 9p24.3.
Variant type: single nucleotide variant.
Coding change: c.*757T>G on transcript NM_203447.4 (MANE Select); 757 bases downstream of the stop codon, T replaced by G.
Molecular consequence: 3 prime UTR variant.
Genome position (GRCh38, 1-based): chr9:464,976, T>G. VCF-style: chr9-464976-T-G. GRCh37 (hg19) VCF-style: chr9-464976-T-G.
Other names: c.*757T>G (NM_001190458.2, NM_001193536.2).
Identifiers: ClinVar variation 367103 (VCV000367103.6), dbSNP rs116697485, ClinGen allele CA10634237.